The following is an entry in ClinVar:

NM_000143.4(FH):c.745A>G (p.Ser249Gly)

Gene: FH (fumarate hydratase; minus strand). Cytogenetic location: 1q43.
Variant type: single nucleotide variant.
Coding change: c.745A>G on transcript NM_000143.4 (MANE Select); coding-DNA position 745, A replaced by G.
Protein change: p.Ser249Gly; replaces serine 249 with glycine.
Molecular consequence: missense variant.
Genome position (GRCh38, 1-based): chr1:241,506,162, T>C on the plus strand (A>G on the coding strand, the complement: FH is on the minus strand). VCF-style: chr1-241506162-T-C. GRCh37 (hg19) VCF-style: chr1-241669462-T-C.
Other names: short protein forms S249G.
Identifiers: ClinVar variation 3230460 (VCV003230460.1), dbSNP rs2527323166, ClinGen allele CA345439114.

ClinVar aggregate classification (germline): Uncertain significance (1 of 4 stars; one submission).

Conditions:
Hereditary cancer-predisposing syndrome. Also called: Neoplastic Syndromes, Hereditary; Tumor predisposition; Hereditary neoplastic syndrome; Hereditary Cancer Syndrome. Identifiers: Orphanet 140162, MedGen C0027672, MeSH D009386, MONDO:0015356.

Submission:

Ambry Genetics
Classification: Uncertain significance for Hereditary cancer-predisposing syndrome. Last evaluated: 2024-03-02. Review status: criteria provided, single submitter. Criteria: Ambry Variant Classification Scheme 2023. Collection method: clinical testing. Allele origin: germline.
Comment: The p.S249G variant (also known as c.745A>G), located in coding exon 6 of the FH gene, results from an A to G substitution at nucleotide position 745. The serine at codon 249 is replaced by glycine, an amino acid with similar properties. This amino acid position is conserved. In addition, the in silico prediction for this alteration is inconclusive. Based on the available evidence, the clinical significance of this alteration remains unclear.